The following is an entry in ClinVar:

NM_001378457.1(DMXL2):c.88-13_88-3dup

Gene: DMXL2 (Dmx like 2; minus strand). Cytogenetic location: 15q21.2.
Variant type: Duplication.
Coding change: c.88-13_88-3dup on transcript NM_001378457.1 (MANE Select); 13 bases into the intron before coding-DNA position 88 through 3 bases into the intron before coding-DNA position 88, 11 bases duplicated (TTTTTTTTTTT).
Molecular consequence: intron variant.
Genome position (GRCh38, 1-based): chr15:51,576,184-51,576,194, AAAAAAAAAAA duplicated on the plus strand (TTTTTTTTTTT on the coding strand, the reverse complement: DMXL2 is on the minus strand); duplicating any 11 consecutive bases within chr15:51,576,184-51,576,203 gives the same sequence; the c. name uses the placement nearest the transcript's 3' end. VCF-style (leftmost placement, unchanged base first): chr15-51576183-T-TAAAAAAAAAAA. GRCh37 (hg19) VCF-style: chr15-51868380-T-TAAAAAAAAAAA.
Other names: p.?; c.88-13_88-3dup (NM_001378460.1, NM_001174117.3, NM_015263.5 and 8 more transcripts).
Identifiers: ClinVar variation 1548392 (VCV001548392.36), dbSNP rs3078066, ClinGen allele CA969770526.

ClinVar aggregate classification (germline): Likely benign. Review status: criteria provided, multiple submitters, no conflicts (2 of 4 stars). 3 submissions from 3 submitters: Likely benign (3). Last evaluated 2026-07-01.

Submissions (3):

CeGaT Center for Human Genetics Tuebingen
Classification: Likely benign. Last evaluated: 2026-07-01. Review status: criteria provided, single submitter. Criteria: CeGaT Center For Human Genetics Tuebingen Variant Classification Criteria Version 2. Collection method: clinical testing. Allele origin: germline. Affected: yes. Observed: 44 variant alleles.
Comment: DMXL2: BS2

Labcorp Genetics (formerly Invitae), Labcorp
Classification: Likely benign. Last evaluated: 2026-02-04. Review status: criteria provided, single submitter. Criteria: Invitae Variant Classification Sherloc (09022015). Collection method: clinical testing. Allele origin: germline.

Mayo Clinic Laboratories, Mayo Clinic
Classification: Likely benign. Last evaluated: 2025-03-17. Review status: criteria provided, single submitter. Criteria: ACMG Guidelines, 2015. Collection method: clinical testing. Allele origin: germline. Observed: 6 variant alleles.
Comment: BP4, BP7